The following is an entry in ClinVar:

ClinVar aggregate classification (germline): Uncertain significance. Review status: criteria provided, multiple submitters, no conflicts (2 of 4 stars). 3 submissions from 3 submitters: Uncertain significance (3). Last evaluated 2023-12-15.

Conditions:
Inborn genetic diseases. Identifiers: MedGen C0950123, MeSH D030342.

Allele frequency attached by ClinVar (database versions not stated): gnomAD 0.00009; TOPMed 0.00014.
gnomAD v4.1: 19 of 1,335,164 alleles (0.0014%); highest among the groups gnomAD compares: African/African-American, 0.029%; no homozygotes.

Submissions (3):

Ambry Genetics
Classification: Uncertain significance for Inborn genetic diseases. Last evaluated: 2023-12-15. Review status: criteria provided, single submitter. Criteria: Ambry Variant Classification Scheme 2023. Collection method: clinical testing. Allele origin: germline.

Labcorp Genetics (formerly Invitae), Labcorp
Classification: Uncertain significance. Last evaluated: 2022-08-09. Review status: criteria provided, single submitter. Criteria: Invitae Variant Classification Sherloc (09022015). Collection method: clinical testing. Allele origin: germline.
Comment: This sequence change replaces valine, which is neutral and non-polar, with methionine, which is neutral and non-polar, at codon 128 of the GRM6 protein (p.Val128Met). The frequency data for this variant in the population databases is considered unreliable, as metrics indicate poor data quality at this position in the gnomAD database. This variant has not been reported in the literature in individuals affected with GRM6-related conditions. Advanced modeling of protein sequence and biophysical properties (such as structural, functional, and spatial information, amino acid conservation, physicochemical variation, residue mobility, and thermodynamic stability) performed at Invitae indicates that this missense variant is not expected to disrupt GRM6 protein function. In summary, the available evidence is currently insufficient to determine the role of this variant in disease. Therefore, it has been classified as a Variant of Uncertain Significance.

Blueprint Genetics
Classification: Uncertain significance. Last evaluated: 2020-03-31. Review status: criteria provided, single submitter. Criteria: ACMG Guidelines, 2015. Collection method: clinical testing. Allele origin: germline.

NM_000843.4(GRM6):c.382G>A (p.Val128Met)

Gene: GRM6 (glutamate metabotropic receptor 6; minus strand). Cytogenetic location: 5q35.3.
Variant type: single nucleotide variant.
Coding change: c.382G>A on transcript NM_000843.4 (MANE Select); coding-DNA position 382, G replaced by A.
Protein change: p.Val128Met; replaces valine 128 with methionine.
Molecular consequence: missense variant.
Genome position (GRCh38, 1-based): chr5:178,994,563, C>T on the plus strand (G>A on the coding strand, the complement: GRM6 is on the minus strand). VCF-style: chr5-178994563-C-T. GRCh37 (hg19) VCF-style: chr5-178421564-C-T.
Other names: c.382G>A (NM_000843.3); short protein forms V128M.
Identifiers: ClinVar variation 1912713 (VCV001912713.4), dbSNP rs990355527, ClinGen allele CA133032086.
Genomic context (GRCh38, chr5:178,994,563, plus strand): 5'-CGGCCACGACGCGCTCGGGGGGCGCGGGGCGCAGCGGAGGGACGCCTCCCGGGCAGCGCA[C>T]GCCCACCTCGTCGCCGTCGCCGCGGCCGCGGATCAGCGCCTGCACGAAGCTCAGCGCCTG-3'
Protein context (NP_000834.2, residues 118-138): RGRGDGDEVG[Val128Met]RCPGGVPPLR